The following is an entry in ClinVar:

NM_004525.3(LRP2):c.335A>C (p.Gln112Pro)

Gene: LRP2 (LDL receptor related protein 2; minus strand). Cytogenetic location: 2q31.1.
Variant type: single nucleotide variant.
Coding change: c.335A>C on transcript NM_004525.3 (MANE Select); coding-DNA position 335, A replaced by C.
Protein change: p.Gln112Pro; replaces glutamine 112 with proline.
Molecular consequence: missense variant.
Genome position (GRCh38, 1-based): chr2:169,307,373, T>G on the plus strand (A>C on the coding strand, the complement: LRP2 is on the minus strand). VCF-style: chr2-169307373-T-G. GRCh37 (hg19) VCF-style: chr2-170163883-T-G.
Other names: short protein forms Q112P.
Identifiers: ClinVar variation 2130311 (VCV002130311.1), dbSNP rs769445177, ClinGen allele CA349168681.

ClinVar aggregate classification (germline): Uncertain significance (1 of 4 stars; one submission).

gnomAD v4.1: 5 of 1,612,676 alleles (0.00031%); highest among the groups gnomAD compares: Non-Finnish European, 0.00034%; no homozygotes.

Submission:

Labcorp Genetics (formerly Invitae), Labcorp
Classification: Uncertain significance. Last evaluated: 2022-05-20. Review status: criteria provided, single submitter. Criteria: Invitae Variant Classification Sherloc (09022015). Collection method: clinical testing. Allele origin: germline.
Comment: This sequence change replaces glutamine, which is neutral and polar, with proline, which is neutral and non-polar, at codon 112 of the LRP2 protein (p.Gln112Pro). This variant is not present in population databases (gnomAD no frequency). This variant has not been reported in the literature in individuals affected with LRP2-related conditions. Advanced modeling of protein sequence and biophysical properties (such as structural, functional, and spatial information, amino acid conservation, physicochemical variation, residue mobility, and thermodynamic stability) performed at Invitae indicates that this missense variant is expected to disrupt LRP2 protein function. In summary, the available evidence is currently insufficient to determine the role of this variant in disease. Therefore, it has been classified as a Variant of Uncertain Significance.